The following is an entry in ClinVar:

NM_000785.4(CYP27B1):c.350G>A (p.Arg117His)

Gene: CYP27B1 (cytochrome P450 family 27 subfamily B member 1; minus strand). Cytogenetic location: 12q14.1.
Variant type: single nucleotide variant.
Coding change: c.350G>A on transcript NM_000785.4 (MANE Select); coding-DNA position 350, G replaced by A.
Protein change: p.Arg117His; replaces arginine 117 with histidine.
Molecular consequence: missense variant.
Genome position (GRCh38, 1-based): chr12:57,766,043, C>T on the plus strand (G>A on the coding strand, the complement: CYP27B1 is on the minus strand). VCF-style: chr12-57766043-C-T. GRCh37 (hg19) VCF-style: chr12-58159826-C-T.
Other names: c.350G>A (NM_000785.3); short protein forms R117H.
Identifiers: ClinVar variation 2092360 (VCV002092360.3), dbSNP rs765161769, ClinGen allele CA6658490.
Genomic context (GRCh38, chr12:57,766,043, plus strand): 5'-CTTCTGGGGGCAGAGAAGACTCACGCAGTGAGCAGTCCGCAAGCCCGCTGGCGGCAGCGG[C>T]GGTGCTCCGTCCAGGGCGAGAAGCTGCAGCGCTCGGGCCGGGGTCCCTCCTGTCGCAGCA-3'
Protein context (NP_000776.1, residues 107-127): RCSFSPWTEH[Arg117His]RCRQRACGLL

ClinVar aggregate classification (germline): Uncertain significance. Review status: criteria provided, multiple submitters, no conflicts (2 of 4 stars). 3 submissions from 3 submitters: Uncertain significance (3). Last evaluated 2025-11-24.

Conditions:
Vitamin D-dependent rickets, type 1A. Also called: VITAMIN D HYDROXYLATION-DEFICIENT RICKETS, TYPE 1A; PDDR IA; PSEUDOVITAMIN D-DEFICIENCY RICKETS, TYPE IA. Identifiers: MedGen CN283242, MONDO:0020723, OMIM 264700.
Inborn genetic diseases. Identifiers: MedGen C0950123, MeSH D030342.

Allele frequency attached by ClinVar (database versions not stated): gnomAD exomes 0.00001; ExAC 0.00005.

Submissions (3):

Ambry Genetics
Classification: Uncertain significance for Inborn genetic diseases. Last evaluated: 2025-11-24. Review status: criteria provided, single submitter. Criteria: Ambry Variant Classification Scheme 2023. Collection method: clinical testing. Allele origin: germline.

Fulgent Genetics
Classification: Uncertain significance for Vitamin D-dependent rickets, type 1A. Last evaluated: 2024-06-13. Review status: criteria provided, single submitter. Criteria: ACMG Guidelines, 2015. Collection method: clinical testing. Allele origin: germline.

Labcorp Genetics (formerly Invitae), Labcorp
Classification: Uncertain significance. Last evaluated: 2022-02-03. Review status: criteria provided, single submitter. Criteria: Invitae Variant Classification Sherloc (09022015). Collection method: clinical testing. Allele origin: germline.
Comment: This sequence change replaces arginine, which is basic and polar, with histidine, which is basic and polar, at codon 117 of the CYP27B1 protein (p.Arg117His). The frequency data for this variant in the population databases is considered unreliable, as metrics indicate poor data quality at this position in the gnomAD database. This variant has not been reported in the literature in individuals affected with CYP27B1-related conditions. Advanced modeling of protein sequence and biophysical properties (such as structural, functional, and spatial information, amino acid conservation, physicochemical variation, residue mobility, and thermodynamic stability) performed at Invitae indicates that this missense variant is expected to disrupt CYP27B1 protein function. In summary, the available evidence is currently insufficient to determine the role of this variant in disease. Therefore, it has been classified as a Variant of Uncertain Significance.